The following is an entry in ClinVar:

ClinVar aggregate classification (germline): Uncertain significance (1 of 4 stars; one submission).

Submission:

Dasa
Classification: Uncertain significance. Last evaluated: 2024-06-26. Review status: criteria provided, single submitter. Criteria: DASA Assertion Criteria. Collection method: clinical testing. Allele origin: germline.
Comment: NM_080680.3(COL11A2):c.2578G>C (p.Ala860Pro) is a missense variant that results in the substitution of alanine with proline. This variant is rare in population databases. The currently available literature and clinical evidence are not sufficient to establish a definitive association between this variant and the reported condition. Therefore, this variant is classified as a variant of uncertain significance.

NM_080680.3(COL11A2):c.2578G>C (p.Ala860Pro)

Gene: COL11A2 (collagen type XI alpha 2 chain; minus strand). Cytogenetic location: 6p21.32.
Variant type: single nucleotide variant.
Coding change: c.2578G>C on transcript NM_080680.3 (MANE Select); coding-DNA position 2578, G replaced by C.
Protein change: p.Ala860Pro; replaces alanine 860 with proline.
Molecular consequence: missense variant.
Genome position (GRCh38, 1-based): chr6:33,173,878, C>G on the plus strand (G>C on the coding strand, the complement: COL11A2 is on the minus strand). VCF-style: chr6-33173878-C-G. GRCh37 (hg19) VCF-style: chr6-33141655-C-G.
Other names: c.2398G>C, p.Ala800Pro (NM_001424108.1); c.1732G>C, p.Ala578Pro (NM_001424109.1); c.1552G>C, p.Ala518Pro (NM_001424110.1, NM_001424111.1); c.532G>C, p.Ala178Pro (NM_001424112.1); c.2257G>C, p.Ala753Pro (NM_080679.3); c.2320G>C, p.Ala774Pro (NM_080681.3); short protein forms A178P, A518P, A578P, A753P, A774P, A800P, A860P.
Identifiers: ClinVar variation 4881244 (VCV004881244.2).